The following is an entry in ClinVar:

ClinVar aggregate classification (germline): Uncertain significance (1 of 4 stars; one submission).

Allele frequency attached by ClinVar (database versions not stated): gnomAD 0.00001.
gnomAD v4.1: 1 of 1,611,938 alleles (0.000062%); highest among the groups gnomAD compares: Non-Finnish European, 0.000085%; no homozygotes.

Submission:

GeneDx
Classification: Uncertain significance. Last evaluated: 2022-12-14. Review status: criteria provided, single submitter. Criteria: GeneDx Variant Classification Process June 2021. Collection method: clinical testing. Allele origin: germline. Affected: yes.
Comment: Not observed at significant frequency in large population cohorts (gnomAD); In silico analysis supports that this missense variant has a deleterious effect on protein structure/function; Has not been previously published as pathogenic or benign to our knowledge

NM_001394062.1(MACF1):c.17145G>T (p.Glu5715Asp)

Gene: MACF1 (microtubule actin crosslinking factor 1; plus strand). Cytogenetic location: 1p34.3.
Variant type: single nucleotide variant.
Coding change: c.17145G>T on transcript NM_001394062.1 (MANE Select); coding-DNA position 17145, G replaced by T.
Protein change: p.Glu5715Asp; replaces glutamic acid 5715 with aspartic acid.
Molecular consequence: missense variant.
Genome position (GRCh38, 1-based): chr1:39,430,716, G>T. VCF-style: chr1-39430716-G-T. GRCh37 (hg19) VCF-style: chr1-39896388-G-T.
Other names: c.5214G>T, p.Glu1738Asp (NM_001397473.1); c.10959G>T, p.Glu3653Asp (NM_012090.5); short protein forms E1738D, E3653D, E5715D.
Identifiers: ClinVar variation 2505960 (VCV002505960.1), dbSNP rs1436373603, ClinGen allele CA339801339.
Genomic context (GRCh38, chr1:39,430,716, plus strand): 5'-GCTTTATTTAGCAAGGTATGGCCTGAAAACTCTTTTCCCTCCTTAGGAATTAAAGAAGGA[G>T]GTCATGGAGCACAGGCTGGTGTTGGACACAGTGAATGAGGTGAGCCGTGCTCTCTTAGAG-3'
Protein context (NP_001380991.1, residues 5705-5725): FQQRQKELKK[Glu5715Asp]VMEHRLVLDT